The following is an entry in ClinVar:

NM_206933.4(USH2A):c.3861del (p.Glu1288fs)

Genes: USH2A (usherin; minus strand), USH2A-AS1 (USH2A antisense RNA 1; plus strand). Cytogenetic location: 1q41.
Variant type: Deletion.
Coding change: c.3861del on transcript NM_206933.4 (MANE Select); coding-DNA position 3861, one base deleted (A; older notation c.3861delA).
Protein change: p.Glu1288fs; shifts the reading frame from glutamic acid 1288.
Molecular consequence: frameshift variant.
Genome position (GRCh38, 1-based): chr1:216,198,535, T deleted on the plus strand (A on the coding strand, the reverse complement: USH2A is on the minus strand); the first of 3 consecutive T bases (chr1:216,198,535-216,198,537); deleting any one gives the same sequence. VCF-style (leftmost placement, unchanged base first): chr1-216198534-CT-C. GRCh37 (hg19) VCF-style: chr1-216371876-CT-C.
Other names: c.3861del, p.Glu1288fs (NM_007123.6); short protein forms E1288fs.
Identifiers: ClinVar variation 5011618 (VCV005011618.1).

ClinVar aggregate classification (germline): Pathogenic (1 of 4 stars; one submission).

Conditions:
USH2A-related disorder. Also called: USH2A-related condition; USH2A-related disorders. Identifiers: MedGen CN239332.

Submission:

Myriad Genetics, Inc.
Classification: Pathogenic for USH2A-related disorder. Last evaluated: 2023-09-09. Review status: criteria provided, single submitter. Criteria: Myriad Autosomal Dominant, Autosomal Recessive and X-Linked Classification Criteria (2023). Collection method: clinical testing. Allele origin: unknown.
Comment: NM_206933.2(USH2A):c.3861delA(E1288Kfs*22) is expected to be pathogenic in the context of USH2A-related disorders. This variant is predicted to lead to an abnormal or absent protein product due to the creation of a premature termination codon in USH2A, a gene where loss-of-function variants are known to be pathogenic. Please note: this variant was assessed in the context of healthy population screening.